The following is an entry in ClinVar:

ClinVar aggregate classification (germline): Uncertain significance (1 of 4 stars; one submission).

Allele frequency attached by ClinVar (database versions not stated): gnomAD exomes below 0.00001.
gnomAD v4.1: 1 of 1,614,012 alleles (0.000062%); highest among the groups gnomAD compares: Non-Finnish European, 0.000085%; no homozygotes.

Submission:

GeneDx
Classification: Uncertain significance. Last evaluated: 2023-12-11. Review status: criteria provided, single submitter. Criteria: GeneDx Variant Classification Process June 2021. Collection method: clinical testing. Allele origin: germline. Affected: yes.
Comment: Not observed at significant frequency in large population cohorts (gnomAD); In silico analysis supports that this missense variant does not alter protein structure/function; Has not been previously published as pathogenic or benign to our knowledge

NM_018489.3(ASH1L):c.2221C>T (p.Leu741Phe)

Gene: ASH1L (ASH1 like histone lysine methyltransferase; minus strand). Cytogenetic location: 1q22.
Variant type: single nucleotide variant.
Coding change: c.2221C>T on transcript NM_018489.3 (MANE Select); coding-DNA position 2221, C replaced by T.
Protein change: p.Leu741Phe; replaces leucine 741 with phenylalanine.
Molecular consequence: missense variant.
Genome position (GRCh38, 1-based): chr1:155,480,649, G>A on the plus strand (C>T on the coding strand, the complement: ASH1L is on the minus strand). VCF-style: chr1-155480649-G-A. GRCh37 (hg19) VCF-style: chr1-155450440-G-A.
Other names: c.2221C>T, p.Leu741Phe (NM_001366177.2); short protein forms L741F.
Identifiers: ClinVar variation 3252416 (VCV003252416.1), dbSNP rs2527183233.